The following is an entry in ClinVar:

ClinVar aggregate classification (germline): Uncertain significance (1 of 4 stars; one submission).

Allele frequency attached by ClinVar (database versions not stated): gnomAD exomes below 0.00001.

Submission:

Centre of Medical Genetics, University Hospital Muenster
Classification: Uncertain significance. Last evaluated: 2021-12-13. Review status: criteria provided, single submitter. Criteria: ACMG Guidelines, 2015. Collection method: clinical testing. Allele origin: unknown. Affected: yes. Observed: 1 variant allele, 1 heterozygote.
Comment: ACMG categories: PVS1

NM_002615.7(SERPINF1):c.1052dup (p.Lys352fs)

Gene: SERPINF1 (serpin family F member 1; plus strand). Cytogenetic location: 17p13.3.
Variant type: Duplication.
Coding change: c.1052dup on transcript NM_002615.7 (MANE Select); coding-DNA position 1052, one base duplicated (T; older notation c.1052dupT).
Protein change: p.Lys352fs; shifts the reading frame from lysine 352.
Molecular consequence: frameshift variant.
Genome position (GRCh38, 1-based): chr17:1,777,241, T duplicated. VCF-style (leftmost placement, unchanged base first): chr17-1777240-A-AT. GRCh37 (hg19) VCF-style: chr17-1680534-A-AT.
Other names: c.1052dup, p.Lys352fs (NM_001329903.2); c.491dup, p.Lys165fs (NM_001329904.2, NM_001329905.2); short protein forms K165fs, K352fs.
Identifiers: ClinVar variation 2430328 (VCV002430328.2), dbSNP rs2543494882, ClinGen allele CA2580092464.
Genomic context (GRCh38, chr17:1,777,240, plus strand): 5'-TCTACAGAGCTGCAATCCTTGTTTGATTCACCAGACTTTAGCAAGATCACAGGCAAACCC[A>AT]TCAAGCTGACTCAGGTGGAACACCGGGCTGGCTTTGAGTGGAACGAGGATGGGGCGGGAA-3'